The following is an entry in ClinVar:

NM_004304.5(ALK):c.53C>T (p.Ala18Val)

Gene: ALK (ALK receptor tyrosine kinase; minus strand). Cytogenetic location: 2p23.1.
Variant type: single nucleotide variant.
Coding change: c.53C>T on transcript NM_004304.5 (MANE Select); coding-DNA position 53, C replaced by T.
Protein change: p.Ala18Val; replaces alanine 18 with valine.
Molecular consequence: missense variant.
Genome position (GRCh38, 1-based): chr2:29,920,607, G>A on the plus strand (C>T on the coding strand, the complement: ALK is on the minus strand). VCF-style: chr2-29920607-G-A. GRCh37 (hg19) VCF-style: chr2-30143473-G-A.
Other names: short protein forms A18V.
Identifiers: ClinVar variation 3371863 (VCV003371863.2).

ClinVar aggregate classification (germline): Uncertain significance. Review status: criteria provided, multiple submitters, no conflicts (2 of 4 stars). 2 submissions from 2 submitters: Uncertain significance (2). Last evaluated 2025-05-21.

Conditions:
Hereditary cancer-predisposing syndrome. Also called: Tumor predisposition; Neoplastic Syndromes, Hereditary; Hereditary neoplastic syndrome; Hereditary Cancer Syndrome. Identifiers: Orphanet 140162, MedGen C0027672, MeSH D009386, MONDO:0015356.

Submissions (2):

Ambry Genetics
Classification: Uncertain significance for Hereditary cancer-predisposing syndrome. Last evaluated: 2025-05-21. Review status: criteria provided, single submitter. Criteria: Ambry Variant Classification Scheme 2023. Collection method: clinical testing. Allele origin: germline.
Comment: The p.A18V variant (also known as c.53C>T), located in coding exon 1 of the ALK gene, results from a C to T substitution at nucleotide position 53. The alanine at codon 18 is replaced by valine, an amino acid with similar properties. This amino acid position is conserved. In addition, this alteration is predicted to be tolerated by in silico analysis. Based on the available evidence, the clinical significance of this variant remains unclear.

GeneDx
Classification: Uncertain significance. Last evaluated: 2024-04-02. Review status: criteria provided, single submitter. Criteria: GeneDx Variant Classification Process June 2021. Collection method: clinical testing. Allele origin: germline. Affected: yes.
Comment: Not observed at significant frequency in large population cohorts (gnomAD); In silico analysis supports that this missense variant does not alter protein structure/function; Has not been previously published as pathogenic or benign to our knowledge